The following is an entry in ClinVar:

NM_005026.5(PIK3CD):c.2597A>T (p.Glu866Val)

Gene: PIK3CD (phosphatidylinositol-4,5-bisphosphate 3-kinase catalytic subunit delta; plus strand). Cytogenetic location: 1p36.22.
Variant type: single nucleotide variant.
Coding change: c.2597A>T on transcript NM_005026.5 (MANE Select); coding-DNA position 2597, A replaced by T.
Protein change: p.Glu866Val; replaces glutamic acid 866 with valine.
Molecular consequence: missense variant.
Genome position (GRCh38, 1-based): chr1:9,723,971, A>T. VCF-style: chr1-9723971-A-T. GRCh37 (hg19) VCF-style: chr1-9784029-A-T.
Other names: c.2594A>T, p.Glu865Val (NM_001350234.2); c.2510A>T, p.Glu837Val (NM_001350235.1); short protein forms E865V, E837V, E866V.
Identifiers: ClinVar variation 2186330 (VCV002186330.5), dbSNP rs1430108390, ClinGen allele CA338307551.

ClinVar aggregate classification (germline): Uncertain significance. Review status: criteria provided, multiple submitters, no conflicts (2 of 4 stars). 2 submissions from 2 submitters: Uncertain significance (2). Last evaluated 2025-12-30.

Conditions:
Immunodeficiency 14 (IMD14A). Also called: IMMUNODEFICIENCY 14A WITH LYMPHOPROLIFERATION, AUTOSOMAL DOMINANT; Activated PI3K Delta Syndrome Type 1 (APDS1); p110-DELTA-ACTIVATING MUTATION CAUSING SENESCENT T CELLS, LYMPHADENOPATHY, AND IMMUNODEFICIENCY; ACTIVATED PI3K-DELTA SYNDROME 1. Identifiers: Orphanet 397596, Orphanet 693661, MedGen C5907821, MONDO:0014222, OMIM 615513.

Allele frequency attached by ClinVar (database versions not stated): gnomAD exomes below 0.00001; TOPMed below 0.00001; gnomAD 0.00001.
gnomAD v4.1: 4 of 1,613,890 alleles (0.00025%); highest among the groups gnomAD compares: African/African-American, 0.0013%; no homozygotes.

Submissions (2):

Labcorp Genetics (formerly Invitae), Labcorp
Classification: Uncertain significance for Activated PI3K-delta syndrome. Last evaluated: 2025-12-30. Review status: criteria provided, single submitter. Criteria: Invitae Variant Classification Sherloc (09022015). Collection method: clinical testing. Allele origin: germline.
Comment: This sequence change replaces glutamic acid, which is acidic and polar, with valine, which is neutral and non-polar, at codon 866 of the PIK3CD protein (p.Glu866Val). This variant is not present in population databases (gnomAD no frequency). This variant has not been reported in the literature in individuals affected with PIK3CD-related conditions. ClinVar contains an entry for this variant (Variation ID: 2186330). An algorithm developed to predict the effect of missense changes on protein structure and function (PolyPhen-2) suggests that this variant is likely to be disruptive. In summary, the available evidence is currently insufficient to determine the role of this variant in disease. Therefore, it has been classified as a Variant of Uncertain Significance.

St. Jude Molecular Pathology, St. Jude Children's Research Hospital
Classification: Uncertain significance for Immunodeficiency 14. Last evaluated: 2023-11-13. Review status: criteria provided, single submitter. Criteria: St. Jude Assertion Criteria 2020. Collection method: clinical testing. Allele origin: germline.
Comment: The PIK3CD c.2597A>T (p.Glu866Val) missense change is absent in gnomAD v2.1.1. The in silico tool REVEL is inconclusive about a pathogenic or benign effect of this variant on protein function, and to our knowledge functional studies have not been performed. To our knowledge, this variant has not been reported in individuals with PIK3CD-associated disorder. In summary, the evidence currently available is insufficient to determine the clinical significance of this variant. It has therefore been classified as of uncertain significance.